The following is an entry in ClinVar:

ClinVar aggregate classification (germline): Uncertain significance (0 of 4 stars; one submission).

Allele frequency attached by ClinVar (database versions not stated): gnomAD 0.00003; ExAC 0.00011; TOPMed 0.00020.

Submission:

Martin Pollak Laboratory,  Beth Israel Deaconess Medical Center
Classification: Uncertain significance. Review status: no assertion criteria provided. Collection method: not provided. Allele origin: unknown.
Comment: Lower UCa2+ group
ClinVar note: Converted during submission from unknown to Uncertain significance.

NM_001096.3(ACLY):c.1395G>A (p.Ala465=)

Gene: ACLY (ATP citrate lyase; minus strand). Cytogenetic location: 17q21.2.
Variant type: single nucleotide variant.
Coding change: c.1395G>A on transcript NM_001096.3 (MANE Select); coding-DNA position 1395, G replaced by A.
Protein change: p.Ala465=; no amino-acid change (alanine 465 retained).
Molecular consequence: synonymous variant.
Genome position (GRCh38, 1-based): chr17:41,897,783, C>T on the plus strand (G>A on the coding strand, the complement: ACLY is on the minus strand). VCF-style: chr17-41897783-C-T. GRCh37 (hg19) VCF-style: chr17-40054036-C-T.
Other names: c.1557G>A, p.Ala519= (NM_001303274.1, NM_001303275.1); c.1395G>A, p.Ala465= (NM_198830.2).
Identifiers: ClinVar variation 64467 (VCV000064467.2), dbSNP rs387907379, ClinGen allele CA216209.